The following is an entry in ClinVar:

ClinVar aggregate classification (germline): Pathogenic (1 of 4 stars; one submission).

Conditions:
Intellectual developmental disorder, autosomal dominant 6, with or without seizures. Also called: GRIN2B-related developmental delay, intellectual disability and autism spectrum disorder; Intellectual disability, autosomal dominant 6. Identifiers: Orphanet 589547, MedGen C3151411, MONDO:0013509, OMIM 613970.
Developmental and epileptic encephalopathy, 27 (DEE27). Also called: GRIN2B-Related Neurodevelopmental Disorder; Epileptic encephalopathy, early infantile, 27. Identifiers: Orphanet 3451, MedGen C4015316, MONDO:0014505, OMIM 616139.

Submission:

Labcorp Genetics (formerly Invitae), Labcorp
Classification: Pathogenic for Developmental and epileptic encephalopathy, 27; Intellectual developmental disorder, autosomal dominant 6, with or without seizures. Last evaluated: 2022-08-31. Review status: criteria provided, single submitter. Criteria: Invitae Variant Classification Sherloc (09022015). Collection method: clinical testing. Allele origin: germline.
Comment: For these reasons, this variant has been classified as Pathogenic. This variant disrupts a region of the GRIN2B protein in which other variant(s) (p.Ala1315Val) have been determined to be pathogenic (Invitae). This suggests that this is a clinically significant region of the protein, and that variants that disrupt it are likely to be disease-causing. Algorithms developed to predict the effect of sequence changes on RNA splicing suggest that this variant may create or strengthen a splice site. ClinVar contains an entry for this variant (Variation ID: 1421943). This variant has not been reported in the literature in individuals affected with GRIN2B-related conditions. This variant is not present in population databases (gnomAD no frequency). This sequence change creates a premature translational stop signal (p.Lys1280Glyfs*17) in the GRIN2B gene. While this is not anticipated to result in nonsense mediated decay, it is expected to disrupt the last 205 amino acid(s) of the GRIN2B protein.

NM_000834.5(GRIN2B):c.3789_3837dup (p.Lys1280delinsGlyProAlaGlyCysProSerGlyGlyAspValLysArgLeuHisHisTer)

Gene: GRIN2B (glutamate ionotropic receptor NMDA type subunit 2B; minus strand). Cytogenetic location: 12p13.1.
Variant type: Duplication.
Coding change: c.3789_3837dup on transcript NM_000834.5 (MANE Select); coding-DNA positions 3789 to 3837, 49 bases duplicated.
Protein change: p.Lys1280delinsGlyProAlaGlyCysProSerGlyGlyAspValLysArgLeuHisHisTer.
Molecular consequence: nonsense.
Genome position (GRCh38, 1-based): chr12:13,563,401-13,563,449, 49 bases duplicated; duplicating any 49 consecutive bases within chr12:13,563,401-13,563,452 gives the same sequence; the c. name uses the placement nearest the transcript's 3' end. GRCh37 (hg19): chr12:13,716,338-13,716,386.
Identifiers: ClinVar variation 1421943 (VCV001421943.6), dbSNP rs2136403635, ClinGen allele CA2573147815.
Genomic context (GRCh38, chr12:13,563,400, plus strand): 5'-GGCGCAGTTTGTTCCGGTTCTTCTTCTGGGCCTTGGAATTAGTCGGGCTCTGAGGGTACT[T>TAGTGGTGGAGGCGTTTGACGTCACCGCCACTGGGGCAGCCGGCTGGTCC]AGTGGTGGAGGCGTTTGACGTCACCGCCACTGGGGCAGCCGGCTGGTCCAGTTCCTGCAG-3'